The following is an entry in ClinVar:

NM_004281.4(BAG3):c.580del (p.Ser194fs)

Gene: BAG3 (BAG cochaperone 3; plus strand). Cytogenetic location: 10q26.11.
Variant type: Deletion.
Coding change: c.580del on transcript NM_004281.4 (MANE Select); coding-DNA position 580, one base deleted (A; older notation c.580delA).
Protein change: p.Ser194fs; shifts the reading frame from serine 194.
Molecular consequence: frameshift variant.
Genome position (GRCh38, 1-based): chr10:119,672,327, A deleted. VCF-style (leftmost placement, unchanged base first): chr10-119672326-GA-G. GRCh37 (hg19) VCF-style: chr10-121431838-GA-G.
Other names: c.580delA (NM_004281.3); short protein forms S194fs.
Identifiers: ClinVar variation 422311 (VCV000422311.2), dbSNP rs1064795700, ClinGen allele CA16618934.

ClinVar aggregate classification (germline): Likely pathogenic (1 of 4 stars; one submission).

Submission:

GeneDx
Classification: Likely pathogenic. Last evaluated: 2017-03-31. Review status: criteria provided, single submitter. Criteria: GeneDx Variant Classification (06012015). Collection method: clinical testing. Allele origin: germline. Affected: yes.
Comment: Although the c.580delA likely pathogenic variant in the BAG3 gene has not been reported to our knowledge, thisvariant causes a shift in reading frame starting at codon Serine 194, changing it to an Alanine, and creating apremature stop codon at position 17 of the new reading frame, denoted p.S194AfsX17. This likely pathogenic variantis expected to result in either an abnormal, truncated protein product or loss of protein from this allele throughnonsense-mediated mRNA decay. Several other frameshift variants in the BAG3 gene have been reported in theHuman Gene Mutation Database in association with DCM (Stenson et al., 2014). Furthermore, the c.580delA variantwas not observed in approximately 6,500 individuals of European and African American ancestry in the NHLBIExome Sequencing Project, indicating it is not a common benign variant in these populations.In summary, c.580delA in the BAG3 gene is expected to be pathogenic.